The following is an entry in ClinVar:

NM_000748.3(CHRNB2):c.635G>A (p.Arg212His)

Gene: CHRNB2 (cholinergic receptor nicotinic beta 2 subunit; plus strand). Cytogenetic location: 1q21.3.
Variant type: single nucleotide variant.
Coding change: c.635G>A on transcript NM_000748.3 (MANE Select); coding-DNA position 635, G replaced by A.
Protein change: p.Arg212His; replaces arginine 212 with histidine.
Molecular consequence: missense variant.
Genome position (GRCh38, 1-based): chr1:154,571,458, G>A. VCF-style: chr1-154571458-G-A. GRCh37 (hg19) VCF-style: chr1-154543934-G-A.
Other names: short protein forms R212H.
Identifiers: ClinVar variation 4530637 (VCV004530637.2), dbSNP rs749354110.

ClinVar aggregate classification (germline): Uncertain significance. Review status: criteria provided, single submitter (1 of 4 stars). 2 submissions from 2 submitters: Uncertain significance (1). 1 of the submissions does not count toward it. Last evaluated 2025-03-20.

Conditions:
Autosomal dominant nocturnal frontal lobe epilepsy 3. Also called: CHRNB2-Related Nocturnal Frontal Lobe Epilepsy, Autosomal Dominant. Identifiers: Orphanet 98784, MedGen C1854335, MONDO:0011545, OMIM 605375.

gnomAD v4.1: 6 of 1,613,934 alleles (0.00037%); highest among the groups gnomAD compares: South Asian, 0.0022%; no homozygotes.

Submissions (2):

ARUP Laboratories, Molecular Genetics and Genomics, ARUP Laboratories
Classification: Uncertain significance for Autosomal dominant nocturnal frontal lobe epilepsy 3. Last evaluated: 2025-03-20. Review status: criteria provided, single submitter. Criteria: ARUP Molecular Germline Variant Investigation Process 2024. Collection method: clinical testing. Allele origin: germline.

Diagnostics Centre, Carl Von Ossietzky University Oldenburg
Classification: Uncertain significance for Autosomal dominant nocturnal frontal lobe epilepsy 3. Last evaluated: 2025-01-21. Review status: no assertion criteria provided. Collection method: clinical testing. Allele origin: germline. Affected: yes. Observed: 1 variant allele. Not counted in ClinVar's aggregate classification.
Comment: The variant CHRNB2:c.635G>A p.Arg212His, which is located in the coding exon 5 of the CHRNB2 gene, results from a guanine to adenine substitution at nucleotide position c.635. The arginine at protein position 212 is replaced by a histidine. This amino acid position is highly conserved in the available vertebrate species. The position is located in the ligand-binding domain, for which, however, no accumulation of pathogenic missense variants has been described. In silico tools predict a deleterious effect in the protein structure/function (REVEL = 0,76). This variant is classified as rare in the overall population (MAF 3.7 * e-6 in gnomAD). The variant has not yet been described in ClinVar or any other scientific publication known to us. In summary, this variant is classified as a variant of unclear significance.